The following is an entry in ClinVar:

NM_017576.4(KIF27):c.637A>G (p.Ile213Val)

Gene: KIF27 (kinesin family member 27; minus strand). Cytogenetic location: 9q21.32.
Variant type: single nucleotide variant.
Coding change: c.637A>G on transcript NM_017576.4 (MANE Select); coding-DNA position 637, A replaced by G.
Protein change: p.Ile213Val; replaces isoleucine 213 with valine.
Molecular consequence: missense variant. On other transcripts: intron variant (2).
Genome position (GRCh38, 1-based): chr9:83,903,881, T>C on the plus strand (A>G on the coding strand, the complement: KIF27 is on the minus strand). VCF-style: chr9-83903881-T-C. GRCh37 (hg19) VCF-style: chr9-86518796-T-C.
Other names: c.637A>G, p.Ile213Val (NM_001271927.3, NM_001271928.3, NM_001354069.2); c.19-4077A>G (NM_001354070.2, NM_001354071.2); short protein forms I213V.
Identifiers: ClinVar variation 403016 (VCV000403016.5), dbSNP rs12001918, ClinGen allele CA5103335.

ClinVar aggregate classification (germline): Benign. Review status: criteria provided, multiple submitters, no conflicts (2 of 4 stars). 2 submissions from 2 submitters: Benign (2). Last evaluated 2016-03-29.

Allele frequency attached by ClinVar (database versions not stated): 1000 Genomes Project 0.12081; 1000 Genomes Project 30x 0.12149; gnomAD exomes 0.12207 and 0.13288; ExAC 0.12257; TOPMed 0.12917; gnomAD 0.13401 and 0.13627; ESP Exome Variant Server 0.14032.
gnomAD v4.1: 214,263 of 1,613,850 alleles (13%); highest among the groups gnomAD compares: African/African-American, 14%; 14,730 homozygotes.

Submissions (2):

Laboratory for Molecular Medicine, Mass General Brigham Personalized Medicine
Classification: Benign. Last evaluated: 2016-03-29. Review status: criteria provided, single submitter. Criteria: LMM Criteria. Collection method: clinical testing. Allele origin: germline.
Comment: Variant identified in a genome or exome case(s) and assessed due to predicted null impact of the variant or pathogenic assertions in the literature or databases. Disclaimer: This variant has not undergone full assessment. The following are preliminary notes: Frequency

Breakthrough Genomics
Classification: Benign. Review status: criteria provided, single submitter. Criteria: ACMG Guidelines, 2015. Collection method: not provided. Allele origin: germline. Inheritance: Unknown mechanism. Affected: yes.